The following is an entry in ClinVar:

ClinVar aggregate classification (germline): Uncertain significance (1 of 4 stars; one submission).

Conditions:
Hereditary cancer-predisposing syndrome. Also called: Neoplastic Syndromes, Hereditary; Tumor predisposition; Hereditary Cancer Syndrome; Hereditary neoplastic syndrome. Identifiers: Orphanet 140162, MedGen C0027672, MeSH D009386, MONDO:0015356.

Submission:

Ambry Genetics
Classification: Uncertain significance for Hereditary cancer-predisposing syndrome. Last evaluated: 2024-09-16. Review status: criteria provided, single submitter. Criteria: Ambry Variant Classification Scheme 2023. Collection method: clinical testing. Allele origin: germline.
Comment: The p.D276N variant (also known as c.826G>A), located in coding exon 6 of the PTCH1 gene, results from a G to A substitution at nucleotide position 826. The aspartic acid at codon 276 is replaced by asparagine, an amino acid with highly similar properties. This amino acid position is conserved. In addition, this alteration is predicted to be tolerated by in silico analysis. Based on the available evidence, the clinical significance of this variant remains unclear.

NM_000264.5(PTCH1):c.826G>A (p.Asp276Asn)

Gene: PTCH1 (patched 1; minus strand). Cytogenetic location: 9q22.32.
Variant type: single nucleotide variant.
Coding change: c.826G>A on transcript NM_000264.5 (MANE Select); coding-DNA position 826, G replaced by A.
Protein change: p.Asp276Asn; replaces aspartic acid 276 with asparagine.
Molecular consequence: missense variant. On other transcripts: non-coding transcript variant (1).
Genome position (GRCh38, 1-based): chr9:95,480,509, C>T on the plus strand (G>A on the coding strand, the complement: PTCH1 is on the minus strand). VCF-style: chr9-95480509-C-T. GRCh37 (hg19) VCF-style: chr9-98242791-C-T.
Other names: c.628G>A, p.Asp210Asn (NM_001083602.3); c.823G>A, p.Asp275Asn (NM_001083603.3); c.373G>A, p.Asp125Asn (NM_001083604.3, NM_001083605.3, NM_001083606.3 and 1 more transcripts); c.826G>A, p.Asp276Asn (NM_001354918.2); short protein forms D125N, D275N, D210N, D276N.
Identifiers: ClinVar variation 3427283 (VCV003427283.1).